The following is an entry in ClinVar:

ClinVar aggregate classification (germline): Uncertain significance. Review status: criteria provided, multiple submitters, no conflicts (2 of 4 stars). 2 submissions from 2 submitters: Uncertain significance (2). Last evaluated 2023-08-09.

Allele frequency attached by ClinVar (database versions not stated): gnomAD 0.00001 and 0.00002.
gnomAD v4.1: 41 of 1,611,652 alleles (0.0025%); highest among the groups gnomAD compares: South Asian, 0.036%; no homozygotes.

Submissions (2):

Labcorp Genetics (formerly Invitae), Labcorp
Classification: Uncertain significance. Last evaluated: 2023-08-09. Review status: criteria provided, single submitter. Criteria: Invitae Variant Classification Sherloc (09022015). Collection method: clinical testing. Allele origin: germline.
Comment: In summary, the available evidence is currently insufficient to determine the role of this variant in disease. Therefore, it has been classified as a Variant of Uncertain Significance. An algorithm developed to predict the effect of missense changes on protein structure and function (PolyPhen-2) suggests that this variant¬†is likely to be tolerated. ClinVar contains an entry for this variant (Variation ID: 1349395). This variant has not been reported in the literature in individuals affected with ZNF341-related conditions. This variant is present in population databases (rs772077716, gnomAD 0.03%). This sequence change replaces glycine, which is neutral and non-polar, with arginine, which is basic and polar, at codon 816 of the ZNF341 protein (p.Gly816Arg).

Ambry Genetics
Classification: Uncertain significance. Last evaluated: 2023-07-12. Review status: criteria provided, single submitter. Criteria: Ambry Variant Classification Scheme 2023. Collection method: clinical testing. Allele origin: germline.

NM_001282933.2(ZNF341):c.2467G>C (p.Gly823Arg)

Genes: ZNF341 (zinc finger protein 341; plus strand), ZNF341-AS1 (ZNF341 antisense RNA 1; minus strand). Cytogenetic location: 20q11.22.
Variant type: single nucleotide variant.
Coding change: c.2467G>C on transcript NM_001282933.2 (MANE Select); coding-DNA position 2467, G replaced by C.
Protein change: p.Gly823Arg; replaces glycine 823 with arginine.
Molecular consequence: missense variant. On other transcripts: non-coding transcript variant (1).
Genome position (GRCh38, 1-based): chr20:33,791,419, G>C. VCF-style: chr20-33791419-G-C. GRCh37 (hg19) VCF-style: chr20-32379225-G-C.
Other names: c.2197G>C, p.Gly733Arg (NM_001282935.2); c.2446G>C, p.Gly816Arg (NM_032819.5); c.2446G>C (NM_032819.3); short protein forms G816R, G733R, G823R.
Identifiers: ClinVar variation 1349395 (VCV001349395.7), dbSNP rs772077716, ClinGen allele CA9819814.
Genomic context (GRCh38, chr20:33,791,419, plus strand): 5'-ATCGTTGTGGGTGGTGCGGTGGGCGCGGAAACTGAGCTGGTGGTACCTGGACACGCTGAG[G>C]GGCTGGGCTCCAACCTGGCTCTGGCGGAGCTGCAGGCTGGGGCCGAGGGCCCATGTGCCA-3'
Protein context (NP_001269862.1, residues 813-833): TELVVPGHAE[Gly823Arg]LGSNLALAEL